The following is an entry in ClinVar:

ClinVar aggregate classification (germline): Uncertain significance. Review status: criteria provided, multiple submitters, no conflicts (2 of 4 stars). 7 submissions from 7 submitters: Uncertain significance (6). 1 of the submissions does not count toward it. Last evaluated 2025-09-12.

Conditions:
Hereditary nonpolyposis colorectal neoplasms. Identifiers: MedGen C0009405, MeSH D003123.
Hereditary cancer-predisposing syndrome. Also called: Neoplastic Syndromes, Hereditary; Tumor predisposition; Hereditary Cancer Syndrome; Hereditary neoplastic syndrome. Identifiers: Orphanet 140162, MedGen C0027672, MeSH D009386, MONDO:0015356.
Lynch syndrome. Identifiers: Orphanet 144, MedGen C4552100, MONDO:0005835. Disease mechanism: loss of function.
Lynch syndrome 5 (LYNCH5). Also called: Colorectal cancer, hereditary nonpolyposis, type 5; Hereditary non-polyposis colorectal cancer, type 5. Identifiers: Orphanet 144, MedGen C1833477, MONDO:0013710, OMIM 614350. Disease mechanism: loss of function.
Endometrial carcinoma. Also called: Endometrial carcinoma, somatic. Identifiers: MedGen C0476089, MONDO:0002447, OMIM 608089, HP:0012114.
Malignant tumor of breast. Also called: Malignant breast neoplasm; Cancer breast. Identifiers: MedGen C0006142, MONDO:0007254. Disease mechanism: loss of function.

Allele frequency attached by ClinVar (database versions not stated): gnomAD 0.00002; TOPMed 0.00006.

Submissions (7):

Ambry Genetics
Classification: Uncertain significance for Hereditary cancer-predisposing syndrome. Last evaluated: 2025-09-12. Review status: criteria provided, single submitter. Criteria: Ambry Variant Classification Scheme 2023. Collection method: clinical testing. Allele origin: germline.
Comment: The c.3762_3764dupAGA variant (also known as p.E1254dup), located in coding exon 8 of the MSH6 gene, results from an in-frame duplication of AGA at nucleotide positions 3762 to 3764. This results in the duplication of a glutamate residue at codon 1254. Based on internal structural analysis p.E1254dup is not tolerated (Ambry internal data). This amino acid position is well conserved in available vertebrate species. In addition, this alteration is predicted to be deleterious by in silico analysis (Choi Y et al. PLoS ONE. 2012; 7(10):e46688). Based on the available evidence, the clinical significance of this alteration remains unclear.

Labcorp Genetics (formerly Invitae), Labcorp
Classification: Uncertain significance for Hereditary nonpolyposis colorectal neoplasms. Last evaluated: 2024-04-14. Review status: criteria provided, single submitter. Criteria: Invitae Variant Classification Sherloc (09022015). Collection method: clinical testing. Allele origin: germline.
Comment: This variant, c.3762_3764dup, results in the insertion of 1 amino acid(s) of the MSH6 protein (p.Glu1254dup), but otherwise preserves the integrity of the reading frame. This variant is present in population databases (rs779334383, gnomAD 0.0009%). This variant has been observed in individual(s) with biliary tract cancer (PMID: 36243179). ClinVar contains an entry for this variant (Variation ID: 234123). Experimental studies and prediction algorithms are not available or were not evaluated, and the functional significance of this variant is currently unknown. In summary, the available evidence is currently insufficient to determine the role of this variant in disease. Therefore, it has been classified as a Variant of Uncertain Significance.

Baylor Genetics
Classification: Uncertain significance for Endometrial carcinoma. Last evaluated: 2024-02-21. Review status: criteria provided, single submitter. Criteria: ACMG Guidelines, 2015. Collection method: clinical testing. Allele origin: unknown.

All of Us Research Program, National Institutes of Health
Classification: Uncertain significance for Lynch syndrome. Last evaluated: 2023-10-27. Review status: criteria provided, single submitter. Criteria: ACMG Guidelines, 2015. Collection method: clinical testing. Allele origin: germline. Inheritance: Autosomal dominant inheritance. Observed: 2 variant alleles, 2 heterozygotes.
Comment: This variant causes an in-frame duplication of one amino acid of the MSH6 protein. To our knowledge, functional studies have not been reported for this variant. This variant has not been reported in individuals affected with MSH6-related disorders in the literature. This variant has been identified in 1/251190 chromosomes in the general population by the Genome Aggregation Database (gnomAD). The available evidence is insufficient to determine the role of this variant in disease conclusively. Therefore, this variant is classified as a Variant of Uncertain Significance.

This study involves interpretation of variants in research participants for the purpose of population health screening. Participant phenotype was not available at the time of variant classification. Additional details can be found in publication PMID: 35346344, PMCID: PMC8962531

MVZ Medizinische Genetik Mainz
Classification: Uncertain significance for Lynch syndrome 5. Last evaluated: 2023-07-27. Review status: criteria provided, single submitter. Criteria: UK Practice Guidelines For Variant Classification V4 01 2020. Collection method: clinical testing. Allele origin: germline. Inheritance: Autosomal dominant inheritance. Affected: yes. Observed: 1 variant allele.
Comment: ACMG Criteria: PM2_SUP_MOD,PS4_SUP,PM4_SUP,PP4

Women's Health and Genetics/Laboratory Corporation of America, LabCorp
Classification: Uncertain significance. Last evaluated: 2015-12-07. Review status: criteria provided, single submitter. Criteria: LabCorp Variant Classification Summary - May 2015. Collection method: clinical testing. Allele origin: germline.

Department of Pathology and Laboratory Medicine, Sinai Health System
Classification: Uncertain significance for Malignant tumor of breast. Review status: no assertion criteria provided. Collection method: clinical testing. Allele origin: unknown. Affected: yes. Observed: 1 variant allele. Study: The Canadian Open Genetics Repository (COGR). Not counted in ClinVar's aggregate classification.
Comment: The MSH6 p.Glu1254dup variant was not identified in the literature nor was it identified in the UMD-LSDB, database. The variant was identified in dbSNP (ID: rs876660864) as "With Uncertain significance allele", and in ClinVar (classified as uncertain significance by Ambry Genetics and Integrated Genetics/Laboratory Corporation of America). The variant was not identified in the following control databases: the Exome Aggregation Consortium (August 8th 2016), or the Genome Aggregation Database (Feb 27, 2017). This variant is an in-frame duplication resulting in the duplication of a Glutamic acid (Glu) residue at codon 1254; the impact of this alteration on MSH6 protein function is not known. The variant occurs outside of the splicing consensus sequence and in silico or computational prediction software programs (SpliceSiteFinder, MaxEntScan, NNSPLICE, GeneSplicer) do not predict a difference in splicing. In summary, based on the above information the clinical significance of this variant cannot be determined with certainty at this time. This variant is classified as a variant of uncertain significance.

Literature cited by the submitters: PubMed 36243179 (cited by Labcorp Genetics (formerly Invitae), Labcorp).

NM_000179.3(MSH6):c.3759AGA[3] (p.Glu1254dup)

Gene: MSH6 (mutS homolog 6; plus strand). Cytogenetic location: 2p16.3.
Variant type: Microsatellite.
Coding change: c.3759AGA[3] on transcript NM_000179.3 (MANE Select); three copies in a row of the 3-base unit AGA starting at c.3759; the reference has two copies in a row; one copy, 3 bases duplicated; also written c.3762_3764dup.
Protein change: p.Glu1254dup; duplicates glutamic acid 1254.
Molecular consequence: inframe insertion.
Genome position (GRCh38, 1-based): chr2:47,806,319-47,806,321, AGA duplicated; duplicating any 3 consecutive bases within chr2:47,806,316-47,806,321 gives the same sequence; the position shown is the placement nearest the transcript's 3' end. VCF-style (leftmost placement, unchanged base first): chr2-47806315-T-TAGA. GRCh37 (hg19) VCF-style: chr2-48033454-T-TAGA.
Other names: c.3762_3764dup (NM_000179.3); c.3369AGA[3], p.Glu1124dup (NM_001281492.2); c.2853AGA[3], p.Glu952dup (NM_001281493.2, NM_001281494.2); c.3762_3764dupAGA (NM_000179.2).
Identifiers: ClinVar variation 234123 (VCV000234123.20), dbSNP rs587779937, ClinGen allele CA071965.